The following continues an entry in ClinVar:

NM_000051.4(ATM):c.378T>A (p.Asp126Glu)

Gene: ATM. ClinVar aggregate classification (germline): Benign/Likely benign. Benign (17); Likely benign (2).

Submissions 24 to 27 of 27:

Department of Pathology and Laboratory Medicine, Sinai Health System
Classification: Likely benign for Malignant tumor of breast. Review status: no assertion criteria provided. Collection method: clinical testing. Allele origin: unknown. Affected: yes. Observed: 35 variant alleles. Study: The Canadian Open Genetics Repository (COGR). Not counted in ClinVar's aggregate classification.
Comment: The ATM p.Asp126Glu variant was identified in 15 of 1440 proband chromosomes (frequency: 0.01) from individuals or families with breast cancer (Broeks 2008, Gonzalez-Hormazabal 2008, Mangone 2015, Petereit 2013, Thorstenson 2001) and was present in 1 of 200 control chromosomes (frequency: 0.005) from healthy individuals (Mangone 2015). The variant was also identified in dbSNP (ID: rs2234997) as With other allele, ClinVar (classified as benign by Ambry Genetics, Emory Genetics, Prevention Genetics, Invitae; classified as likely benign by Illumina, IBRMDL, GSLUC), Cosmic (classified as neutral), MutDB (classified as Polymorphism), ATM-LOVD, databases. The variant was not identified in LOVD 3.0, databases. The variant was identified in control databases in 5588 (478 homozygous) of 276988 chromosomes at a frequency of 0.02 increasing the likelihood this could be a low frequency benign variant (Genome Aggregation Consortium Feb 27, 2017). The variant was identified in the following populations at a frequency greater than 1%: African in 4785 of 24012 chromosomes (freq: 0.199), Ashkenazi Jewish* in 143 of 10146 chromosomes (freq: 0.014), Latino in 396 of 34384 chromosomes (freq: 0.012), Other in 71 of 6456 chromosomes (freq: 0.011). The p.Asp126 residue is conserved in in mammals but not in more distantly related organisms however computational analyses (PolyPhen-2, SIFT, AlignGVGD, BLOSUM, MutationTaster) do not suggest a high likelihood of impact to the protein; this information is not predictive enough to rule out pathogenicity. The variant occurs outside of the splicing consensus sequence and 1 of 5 in silico or computational prediction software programs (SpliceSiteFinder, MaxEntScan, NNSPLICE, GeneSplicer, HumanSpliceFinder) predict a greater than 10% difference in splicing; this is not very predictive of pathogenicity. The variant is located with the Telomere-length maintenance and DNA damage repair functional domain increasing the likelihood that it may have clinical significance. ATM D126E genotypes, had a mild effect on survival, but the differences did not reach the level of statistical significance (Li 2006). In addition, the variant lead to decreased DDR response and efficiency, which is associated with increased risk of developing lung cancer in African American women (Wallace 2014). In summary, based on the above information, the clinical significance of this variant cannot be determined with certainty at this time although we would lean towards a more benign role for this variant. This variant is classified as likely benign.

Genetic Services Laboratory, University of Chicago
Classification: Likely benign for AllHighlyPenetrant. Review status: no assertion criteria provided. Collection method: clinical testing. Allele origin: germline. Inheritance: Autosomal recessive inheritance. Not counted in ClinVar's aggregate classification.
Comment: Likely benign based on allele frequency in 1000 Genomes Project or ESP global frequency and its presence in a patient with a rare or unrelated disease phenotype. NOT Sanger confirmed.

Joint Genome Diagnostic Labs from Nijmegen and Maastricht, Radboudumc and MUMC+
Classification: Benign. Review status: no assertion criteria provided. Collection method: clinical testing. Allele origin: germline. Affected: yes. Study: VKGL Data-share Consensus. Not counted in ClinVar's aggregate classification.

Laboratory of Diagnostic Genome Analysis, Leiden University Medical Center (LUMC)
Classification: Benign. Review status: no assertion criteria provided. Collection method: clinical testing. Allele origin: germline. Affected: yes. Study: VKGL Data-share Consensus. Not counted in ClinVar's aggregate classification.

Literature cited by the submitters: PubMed 17517479 (cited by Athena Diagnostics); PubMed 12552566 (cited by Athena Diagnostics); PubMed 24728327 (cited by Athena Diagnostics and ITMI); PubMed 22529920 (cited by Athena Diagnostics); PubMed 22071889 (cited by Athena Diagnostics); PubMed 27153395 (cited by Athena Diagnostics); PubMed 25085752 (cited by Myriad Genetics, Inc.).